The following is an entry in ClinVar:

ClinVar aggregate classification (germline): Uncertain significance. Review status: criteria provided, multiple submitters, no conflicts (2 of 4 stars). 2 submissions from 2 submitters: Uncertain significance (2). Last evaluated 2025-03-28.

Conditions:
Neuroblastoma, susceptibility to, 3. Also called: ALK-Related Neuroblastic Tumor Susceptibility. Identifiers: Orphanet 635, MedGen C2751681, MONDO:0013083, OMIM 613014.
Hereditary cancer-predisposing syndrome. Also called: Hereditary neoplastic syndrome; Tumor predisposition; Neoplastic Syndromes, Hereditary; Hereditary Cancer Syndrome. Identifiers: Orphanet 140162, MedGen C0027672, MeSH D009386, MONDO:0015356.

Submissions (2):

Ambry Genetics
Classification: Uncertain significance for Hereditary cancer-predisposing syndrome. Last evaluated: 2025-03-28. Review status: criteria provided, single submitter. Criteria: Ambry Variant Classification Scheme 2023. Collection method: clinical testing. Allele origin: germline.
Comment: The p.G667E variant (also known as c.2000G>A), located in coding exon 11 of the ALK gene, results from a G to A substitution at nucleotide position 2000. The glycine at codon 667 is replaced by glutamic acid, an amino acid with similar properties. This amino acid position is conserved. In addition, this alteration is predicted to be tolerated by in silico analysis. Based on the available evidence, the clinical significance of this variant remains unclear.

Labcorp Genetics (formerly Invitae), Labcorp
Classification: Uncertain significance for Neuroblastoma, susceptibility to, 3. Last evaluated: 2024-11-04. Review status: criteria provided, single submitter. Criteria: Invitae Variant Classification Sherloc (09022015). Collection method: clinical testing. Allele origin: germline.
Comment: This sequence change replaces glycine, which is neutral and non-polar, with glutamic acid, which is acidic and polar, at codon 667 of the ALK protein (p.Gly667Glu). This variant is not present in population databases (gnomAD no frequency). This variant has not been reported in the literature in individuals affected with ALK-related conditions. ClinVar contains an entry for this variant (Variation ID: 957762). An algorithm developed to predict the effect of missense changes on protein structure and function (PolyPhen-2) suggests that this variant is likely to be tolerated. In summary, the available evidence is currently insufficient to determine the role of this variant in disease. Therefore, it has been classified as a Variant of Uncertain Significance.

NM_004304.5(ALK):c.2000G>A (p.Gly667Glu)

Gene: ALK (ALK receptor tyrosine kinase; minus strand). Cytogenetic location: 2p23.2.
Variant type: single nucleotide variant.
Coding change: c.2000G>A on transcript NM_004304.5 (MANE Select); coding-DNA position 2000, G replaced by A.
Protein change: p.Gly667Glu; replaces glycine 667 with glutamic acid.
Molecular consequence: missense variant.
Genome position (GRCh38, 1-based): chr2:29,275,140, C>T on the plus strand (G>A on the coding strand, the complement: ALK is on the minus strand). VCF-style: chr2-29275140-C-T. GRCh37 (hg19) VCF-style: chr2-29498006-C-T.
Other names: short protein forms G667E.
Identifiers: ClinVar variation 957762 (VCV000957762.10), dbSNP rs1665499933, ClinGen allele CA346479646.